The following is an entry in ClinVar:

ClinVar aggregate classification (germline): Uncertain significance. Review status: criteria provided, multiple submitters, no conflicts (2 of 4 stars). 3 submissions from 3 submitters: Uncertain significance (2). 1 of the submissions does not count toward it. Last evaluated 2024-09-26.

Conditions:
Retinitis pigmentosa 25 (RP25). Identifiers: Orphanet 791, MedGen C1864446, MONDO:0011272, OMIM 602772.
Inborn genetic diseases. Identifiers: MedGen C0950123, MeSH D030342.

Allele frequency attached by ClinVar (database versions not stated): gnomAD 0.00002; TOPMed 0.00003.
gnomAD v4.1: 3 of 1,579,010 alleles (0.00019%); highest among the groups gnomAD compares: Admixed American, 0.005%; no homozygotes.

Submissions (3):

Ambry Genetics
Classification: Uncertain significance for Inborn genetic diseases. Last evaluated: 2024-09-26. Review status: criteria provided, single submitter. Criteria: Ambry Variant Classification Scheme 2023. Collection method: clinical testing. Allele origin: germline.

Labcorp Genetics (formerly Invitae), Labcorp
Classification: Uncertain significance. Last evaluated: 2022-08-22. Review status: criteria provided, single submitter. Criteria: Invitae Variant Classification Sherloc (09022015). Collection method: clinical testing. Allele origin: germline.
Comment: This sequence change replaces cysteine, which is neutral and slightly polar, with serine, which is neutral and polar, at codon 367 of the EYS protein (p.Cys367Ser). This variant is not present in population databases (gnomAD no frequency). This variant has not been reported in the literature in individuals affected with EYS-related conditions. ClinVar contains an entry for this variant (Variation ID: 839388). Algorithms developed to predict the effect of missense changes on protein structure and function output the following: SIFT: "Tolerated"; PolyPhen-2: "Benign"; Align-GVGD: "Class C0". The serine amino acid residue is found in multiple mammalian species, which suggests that this missense change does not adversely affect protein function. In summary, the available evidence is currently insufficient to determine the role of this variant in disease. Therefore, it has been classified as a Variant of Uncertain Significance.

Natera, Inc.
Classification: Uncertain significance for Retinitis pigmentosa type 25. Last evaluated: 2020-07-20. Review status: no assertion criteria provided. Collection method: clinical testing. Allele origin: germline. Not counted in ClinVar's aggregate classification.

NM_001142800.2(EYS):c.1100G>C (p.Cys367Ser)

Gene: EYS (eyes shut homolog; minus strand). Cytogenetic location: 6q12.
Variant type: single nucleotide variant.
Coding change: c.1100G>C on transcript NM_001142800.2 (MANE Select); coding-DNA position 1100, G replaced by C.
Protein change: p.Cys367Ser; replaces cysteine 367 with serine.
Molecular consequence: missense variant.
Genome position (GRCh38, 1-based): chr6:65,402,562, C>G on the plus strand (G>C on the coding strand, the complement: EYS is on the minus strand). VCF-style: chr6-65402562-C-G. GRCh37 (hg19) VCF-style: chr6-66112455-C-G.
Other names: c.1100G>C, p.Cys367Ser (NM_001142801.2, NM_001292009.2, NM_198283.2); short protein forms C367S.
Identifiers: ClinVar variation 839388 (VCV000839388.6), dbSNP rs935618633, ClinGen allele CA139845092.